The following is an entry in ClinVar:

ClinVar aggregate classification (germline): Conflicting classifications of pathogenicity. Review status: criteria provided, conflicting classifications (1 of 4 stars). 3 submissions from 3 submitters: Uncertain significance (2); Likely benign (1). Last evaluated 2025-10-21.

Conditions:
Hereditary cancer. Identifiers: MedGen C1333600.
Inborn genetic diseases. Identifiers: MedGen C0950123, MeSH D030342.
Werner syndrome (WRN). Identifiers: Orphanet 902, MedGen C0043119, MONDO:0010196, OMIM 277700.

gnomAD v4.1: 1 of 1,614,060 alleles (0.000062%); no homozygotes.

Submissions (3):

Labcorp Genetics (formerly Invitae), Labcorp
Classification: Uncertain significance for Werner syndrome. Last evaluated: 2025-10-21. Review status: criteria provided, single submitter. Criteria: Invitae Variant Classification Sherloc (09022015). Collection method: clinical testing. Allele origin: germline.
Comment: This sequence change replaces aspartic acid, which is acidic and polar, with alanine, which is neutral and non-polar, at codon 731 of the WRN protein (p.Asp731Ala). This variant is not present in population databases (gnomAD no frequency). This variant has not been reported in the literature in individuals affected with WRN-related conditions. ClinVar contains an entry for this variant (Variation ID: 404008). An algorithm developed to predict the effect of missense changes on protein structure and function (PolyPhen-2) suggests that this variant is likely to be disruptive. In summary, the available evidence is currently insufficient to determine the role of this variant in disease. Therefore, it has been classified as a Variant of Uncertain Significance.

Mendelics
Classification: Likely benign for Hereditary cancer. Last evaluated: 2025-02-26. Review status: criteria provided, single submitter. Criteria: ACMG Guidelines, 2015. Collection method: clinical testing. Allele origin: unknown.
Comment: This variant is considered likely benign or benign based on one or more of the following: it is predicted to be benign by multiple in silico algorithms, and/or has population frequency not consistent with disease, and/or has normal protein function, and/or has lack of segregation with disease, and/or has been detected in co-occurrence with known pathogenic variant, and/or has lack of disease association in case-control studies, and/or is located in a region inconsistent with a known cause of pathogenicity.

Ambry Genetics
Classification: Uncertain significance for Inborn genetic diseases. Last evaluated: 2025-02-25. Review status: criteria provided, single submitter. Criteria: Ambry Variant Classification Scheme 2023. Collection method: clinical testing. Allele origin: germline.

NM_000553.6(WRN):c.2192A>C (p.Asp731Ala)

Gene: WRN (WRN RecQ like helicase; plus strand). Cytogenetic location: 8p12.
Variant type: single nucleotide variant.
Coding change: c.2192A>C on transcript NM_000553.6 (MANE Select); coding-DNA position 2192, A replaced by C.
Protein change: p.Asp731Ala; replaces aspartic acid 731 with alanine.
Molecular consequence: missense variant.
Genome position (GRCh38, 1-based): chr8:31,111,718, A>C. VCF-style: chr8-31111718-A-C. GRCh37 (hg19) VCF-style: chr8-30969234-A-C.
Other names: short protein forms D731A.
Identifiers: ClinVar variation 404008 (VCV000404008.10), dbSNP rs747317429, ClinGen allele CA16612323.